The following is an entry in ClinVar:

ClinVar aggregate classification (germline): Pathogenic. Review status: criteria provided, multiple submitters, no conflicts (2 of 4 stars). 2 submissions from 2 submitters: Pathogenic (2). Last evaluated 2023-04-10.

Conditions:
Marfan syndrome (MFS). Also called: FBN1-Related Marfan Syndrome; Marfan's syndrome; MARFAN SYNDROME, TYPE I; Marfan syndrome type 1; Marfan syndrome, classic. Identifiers: Orphanet 284963, Orphanet 558, MedGen C0024796, MONDO:0007947, OMIM 154700.
Familial thoracic aortic aneurysm and aortic dissection (TAAD). Also called: Thoracic aortic aneurysms and dissections. Identifiers: Orphanet 91387, MedGen C4707243, MONDO:0019625.

Submissions (2):

Labcorp Genetics (formerly Invitae), Labcorp
Classification: Pathogenic for Marfan syndrome; Familial thoracic aortic aneurysm and aortic dissection. Last evaluated: 2023-04-10. Review status: criteria provided, single submitter. Criteria: Invitae Variant Classification Sherloc (09022015). Collection method: clinical testing. Allele origin: germline.
Comment: For these reasons, this variant has been classified as Pathogenic. Algorithms developed to predict the effect of sequence changes on RNA splicing suggest that this variant may disrupt the consensus splice site. ClinVar contains an entry for this variant (Variation ID: 837810). This premature translational stop signal has been observed in individual(s) with Marfan syndrome (PMID: 25907466). This variant is not present in population databases (gnomAD no frequency). This sequence change creates a premature translational stop signal (p.Tyr2060*) in the FBN1 gene. It is expected to result in an absent or disrupted protein product. Loss-of-function variants in FBN1 are known to be pathogenic (PMID: 17657824, 19293843).

Centre of Medical Genetics, University of Antwerp
Classification: Pathogenic for Marfan syndrome. Last evaluated: 2021-03-01. Review status: criteria provided, single submitter. Criteria: Submitter's publication. Collection method: research. Allele origin: unknown. Affected: yes.
Comment: PM2, PVS1, PP4

Literature cited by the submitters: PubMed 25907466 (cited by Labcorp Genetics (formerly Invitae), Labcorp); PubMed 17657824 (cited by Labcorp Genetics (formerly Invitae), Labcorp); PubMed 19293843 (cited by Labcorp Genetics (formerly Invitae), Labcorp).

NM_000138.5(FBN1):c.6180C>G (p.Tyr2060Ter)

Gene: FBN1 (fibrillin 1; minus strand). Cytogenetic location: 15q21.1.
Variant type: single nucleotide variant.
Coding change: c.6180C>G on transcript NM_000138.5 (MANE Select); coding-DNA position 6180, C replaced by G.
Protein change: p.Tyr2060Ter; replaces tyrosine 2060 with a stop codon.
Molecular consequence: nonsense.
Genome position (GRCh38, 1-based): chr15:48,437,901, G>C on the plus strand (C>G on the coding strand, the complement: FBN1 is on the minus strand). VCF-style: chr15-48437901-G-C. GRCh37 (hg19) VCF-style: chr15-48730098-G-C.
Other names: short protein forms Y2060*.
Identifiers: ClinVar variation 837810 (VCV000837810.26), dbSNP rs974604498, ClinGen allele CA392337278.